The following is an entry in ClinVar:

NM_000179.3(MSH6):c.3254C>A (p.Thr1085Asn)

Gene: MSH6 (mutS homolog 6; plus strand). Cytogenetic location: 2p16.3.
Variant type: single nucleotide variant.
Coding change: c.3254C>A on transcript NM_000179.3 (MANE Select); coding-DNA position 3254, C replaced by A.
Protein change: p.Thr1085Asn; replaces threonine 1085 with asparagine.
Molecular consequence: missense variant.
Genome position (GRCh38, 1-based): chr2:47,803,501, C>A. VCF-style: chr2-47803501-C-A. GRCh37 (hg19) VCF-style: chr2-48030640-C-A.
Other names: c.2864C>A, p.Thr955Asn (NM_001281492.2); c.2348C>A, p.Thr783Asn (NM_001281493.2, NM_001281494.2); short protein forms T1085N, T783N, T955N.
Identifiers: ClinVar variation 627793 (VCV000627793.14), dbSNP rs761724581, ClinGen allele CA346758129.

ClinVar aggregate classification (germline): Conflicting classifications of pathogenicity. Review status: criteria provided, conflicting classifications (1 of 4 stars). 3 submissions from 3 submitters: Uncertain significance (2); Likely benign (1). Last evaluated 2025-05-13.

Conditions:
Hereditary cancer-predisposing syndrome. Also called: Tumor predisposition; Hereditary Cancer Syndrome; Neoplastic Syndromes, Hereditary; Hereditary neoplastic syndrome. Identifiers: Orphanet 140162, MedGen C0027672, MeSH D009386, MONDO:0015356.
Hereditary nonpolyposis colorectal neoplasms. Identifiers: MedGen C0009405, MeSH D003123.

Allele frequency attached by ClinVar (database versions not stated): gnomAD 0.00001; TOPMed 0.00001.
gnomAD v4.1: 7 of 1,605,016 alleles (0.00044%); highest among the groups gnomAD compares: Non-Finnish European, 0.0006%; no homozygotes.

Submissions (3):

Labcorp Genetics (formerly Invitae), Labcorp
Classification: Uncertain significance for Hereditary nonpolyposis colorectal neoplasms. Last evaluated: 2025-05-13. Review status: criteria provided, single submitter. Criteria: Invitae Variant Classification Sherloc (09022015). Collection method: clinical testing. Allele origin: germline.
Comment: This sequence change replaces threonine, which is neutral and polar, with asparagine, which is neutral and polar, at codon 1085 of the MSH6 protein (p.Thr1085Asn). This variant is not present in population databases (gnomAD no frequency). This variant has not been reported in the literature in individuals affected with MSH6-related conditions. ClinVar contains an entry for this variant (Variation ID: 627793). Invitae Evidence Modeling of protein sequence and biophysical properties (such as structural, functional, and spatial information, amino acid conservation, physicochemical variation, residue mobility, and thermodynamic stability) indicates that this missense variant is not expected to disrupt MSH6 protein function with a negative predictive value of 95%. In summary, the available evidence is currently insufficient to determine the role of this variant in disease. Therefore, it has been classified as a Variant of Uncertain Significance.

Ambry Genetics
Classification: Likely benign for Hereditary cancer-predisposing syndrome. Last evaluated: 2021-02-26. Review status: criteria provided, single submitter. Criteria: Ambry Variant Classification Scheme 2023. Collection method: clinical testing. Allele origin: germline.

Color Diagnostics, LLC DBA Color Health
Classification: Uncertain significance for Hereditary cancer-predisposing syndrome. Last evaluated: 2019-01-17. Review status: criteria provided, single submitter. Criteria: ACMG Guidelines, 2015. Collection method: clinical testing. Allele origin: germline.